The following is an entry in ClinVar:

NM_014915.3(ANKRD26):c.1573G>C (p.Asp525His)

Gene: ANKRD26 (ankyrin repeat domain containing 26; minus strand). Cytogenetic location: 10p12.1.
Variant type: single nucleotide variant.
Coding change: c.1573G>C on transcript NM_014915.3 (MANE Select); coding-DNA position 1573, G replaced by C.
Protein change: p.Asp525His; replaces aspartic acid 525 with histidine.
Molecular consequence: missense variant.
Genome position (GRCh38, 1-based): chr10:27,053,382, C>G on the plus strand (G>C on the coding strand, the complement: ANKRD26 is on the minus strand). VCF-style: chr10-27053382-C-G. GRCh37 (hg19) VCF-style: chr10-27342311-C-G.
Other names: c.1573G>C, p.Asp525His (NM_001256053.2); short protein forms D525H.
Identifiers: ClinVar variation 4104417 (VCV004104417.1).

ClinVar aggregate classification (germline): Uncertain significance (1 of 4 stars; one submission).

Conditions:
Inborn genetic diseases. Identifiers: MedGen C0950123, MeSH D030342.

Submission:

Ambry Genetics
Classification: Uncertain significance for Inborn genetic diseases. Last evaluated: 2025-08-23. Review status: criteria provided, single submitter. Criteria: Ambry Variant Classification Scheme 2023. Collection method: clinical testing. Allele origin: germline.
Comment: The p.D525H variant (also known as c.1573G>C), located in coding exon 16 of the ANKRD26 gene, results from a G to C substitution at nucleotide position 1573. The aspartic acid at codon 525 is replaced by histidine, an amino acid with similar properties. This amino acid position is conserved. In addition, this alteration is predicted to be tolerated by in silico analysis. Based on the available evidence, the clinical significance of this variant remains unclear.